The following is an entry in ClinVar:

NM_001909.5(CTSD):c.1077G>A (p.Ser359=)

Gene: CTSD (cathepsin D; minus strand). Cytogenetic location: 11p15.5.
Variant type: single nucleotide variant.
Coding change: c.1077G>A on transcript NM_001909.5 (MANE Select); coding-DNA position 1077, G replaced by A.
Protein change: p.Ser359=; no amino-acid change (serine 359 retained).
Molecular consequence: synonymous variant.
Genome position (GRCh38, 1-based): chr11:1,753,665, C>T on the plus strand (G>A on the coding strand, the complement: CTSD is on the minus strand). VCF-style: chr11-1753665-C-T. GRCh37 (hg19) VCF-style: chr11-1774895-C-T.
Other names: p.S359S:TCG>TCA.
Identifiers: ClinVar variation 137044 (VCV000137044.18), dbSNP rs138940129, ClinGen allele CA290530.

ClinVar aggregate classification (germline): Benign/Likely benign. Review status: criteria provided, multiple submitters, no conflicts (2 of 4 stars). 6 submissions from 6 submitters: Benign (1); Likely benign (4). 1 of the submissions does not count toward it. Last evaluated 2026-05-12.

Conditions:
CTSD-related disorder. Also called: CTSD-related condition.
Inborn genetic diseases. Identifiers: MedGen C0950123, MeSH D030342.
Neuronal ceroid lipofuscinosis. Also called: Neuronal Ceroid Lipofuscinoses. Identifiers: Orphanet 216, Orphanet 79263, MedGen C0027877, MONDO:0016295. Disease mechanism: loss of function.

Allele frequency attached by ClinVar (database versions not stated): TOPMed 0.00007; gnomAD 0.00013; 1000 Genomes Project 30x 0.00016; 1000 Genomes Project 0.00020.
gnomAD v4.1: 173 of 1,612,756 alleles (0.011%); highest among the groups gnomAD compares: Middle Eastern, 0.017%; no homozygotes.

Submissions (6):

PreventionGenetics, part of Exact Sciences
Classification: Likely benign for CTSD-related condition. Last evaluated: 2026-05-12. Review status: criteria provided, single submitter. Criteria: ACMG Guidelines, 2015. Collection method: clinical testing. Allele origin: germline.
Comment: This variant is classified as likely benign based on ACMG/AMP sequence variant interpretation guidelines (Richards et al. 2015 PMID: 25741868, with internal and published modifications).

Labcorp Genetics (formerly Invitae), Labcorp
Classification: Likely benign for Neuronal ceroid lipofuscinosis. Last evaluated: 2026-01-05. Review status: criteria provided, single submitter. Criteria: Invitae Variant Classification Sherloc (09022015). Collection method: clinical testing. Allele origin: germline.

Blueprint Genetics
Classification: Likely benign. Last evaluated: 2024-11-27. Review status: criteria provided, single submitter. Criteria: ACMG Guidelines, 2015. Collection method: clinical testing. Allele origin: germline.

Ambry Genetics
Classification: Likely benign for Inborn genetic diseases. Last evaluated: 2017-09-25. Review status: criteria provided, single submitter. Criteria: Ambry Variant Classification Scheme 2023. Collection method: clinical testing. Allele origin: germline.

GeneDx
Classification: Benign. Last evaluated: 2014-01-22. Review status: criteria provided, single submitter. Criteria: GeneDx Variant Classification (06012015). Collection method: clinical testing. Allele origin: germline. Affected: yes.
Comment: This variant is considered likely benign or benign based on one or more of the following criteria: it is a conservative change, it occurs at a poorly conserved position in the protein, it is predicted to be benign by multiple in silico algorithms, and/or has population frequency not consistent with disease.

Mayo Clinic Laboratories, Mayo Clinic
Classification: Likely benign. Last evaluated: 2017-11-03. Review status: no assertion criteria provided. Collection method: clinical testing. Allele origin: unknown. Not counted in ClinVar's aggregate classification.